The following is an entry in ClinVar:

NM_032802.4(SPPL2A):c.94G>A (p.Ala32Thr)

Gene: SPPL2A (signal peptide peptidase like 2A; minus strand). Cytogenetic location: 15q21.2.
Variant type: single nucleotide variant.
Coding change: c.94G>A on transcript NM_032802.4 (MANE Select); coding-DNA position 94, G replaced by A.
Protein change: p.Ala32Thr; replaces alanine 32 with threonine.
Molecular consequence: missense variant.
Genome position (GRCh38, 1-based): chr15:50,749,719, C>T on the plus strand (G>A on the coding strand, the complement: SPPL2A is on the minus strand). VCF-style: chr15-50749719-C-T. GRCh37 (hg19) VCF-style: chr15-51041916-C-T.
Other names: c.94G>A, p.Ala32Thr (NM_001438111.1, NM_001438112.1); short protein forms A32T.
Identifiers: ClinVar variation 4780988 (VCV004780988.1).

ClinVar aggregate classification (germline): Uncertain significance (1 of 4 stars; one submission).

Submission:

Labcorp Genetics (formerly Invitae), Labcorp
Classification: Uncertain significance. Last evaluated: 2026-01-18. Review status: criteria provided, single submitter. Criteria: Invitae Variant Classification Sherloc (09022015). Collection method: clinical testing. Allele origin: germline.
Comment: This sequence change replaces alanine, which is neutral and non-polar, with threonine, which is neutral and polar, at codon 32 of the SPPL2A protein (p.Ala32Thr). This variant is present in population databases (no rsID available, gnomAD 0.002%). This variant has not been reported in the literature in individuals affected with SPPL2A-related conditions. An algorithm developed to predict the effect of missense changes on protein structure and function (PolyPhen-2) suggests that this variant is likely to be disruptive. In summary, the available evidence is currently insufficient to determine the role of this variant in disease. Therefore, it has been classified as a Variant of Uncertain Significance.